The following is an entry in ClinVar:

ClinVar aggregate classification (germline): Uncertain significance (1 of 4 stars; one submission).

Conditions:
Primary ciliary dyskinesia. Also called: Ciliary dyskinesia. Identifiers: Orphanet 244, MedGen C0008780, MONDO:0016575, HP:0012265.

Submission:

Ambry Genetics
Classification: Uncertain significance for Primary ciliary dyskinesia. Last evaluated: 2018-11-11. Review status: criteria provided, single submitter. Criteria: Ambry Variant Classification Scheme 2023. Collection method: clinical testing. Allele origin: germline.
Comment: The p.K110T variant (also known as c.329A>C), located in coding exon 4 of the DNAH5 gene, results from an A to C substitution at nucleotide position 329. The lysine at codon 110 is replaced by threonine, an amino acid with similar properties. This amino acid position is highly conserved in available vertebrate species. In addition, this alteration is predicted to be tolerated by in silico analysis. Since supporting evidence is limited at this time, the clinical significance of this alteration remains unclear.

NM_001369.3(DNAH5):c.329A>C (p.Lys110Thr)

Gene: DNAH5 (dynein axonemal heavy chain 5; minus strand). Cytogenetic location: 5p15.2.
Variant type: single nucleotide variant.
Coding change: c.329A>C on transcript NM_001369.3 (MANE Select); coding-DNA position 329, A replaced by C.
Protein change: p.Lys110Thr; replaces lysine 110 with threonine.
Molecular consequence: missense variant.
Genome position (GRCh38, 1-based): chr5:13,923,389, T>G on the plus strand (A>C on the coding strand, the complement: DNAH5 is on the minus strand). VCF-style: chr5-13923389-T-G. GRCh37 (hg19) VCF-style: chr5-13923498-T-G.
Other names: short protein forms K110T.
Identifiers: ClinVar variation 1729915 (VCV001729915.2), dbSNP rs2547160570, ClinGen allele CA359224039.